The following is an entry in ClinVar:

ClinVar aggregate classification (germline): Pathogenic (1 of 4 stars; one submission).

Conditions:
Epilepsy, familial adult myoclonic, 5 (EPEO5). Also called: CORTICAL MYOCLONIC TREMOR WITH EPILEPSY, FAMILIAL, 5. Identifiers: Orphanet 86814, MedGen C3809374, MONDO:0014167, OMIM 615400.

Submission:

Labcorp Genetics (formerly Invitae), Labcorp
Classification: Pathogenic for Epilepsy, familial adult myoclonic, 5. Last evaluated: 2025-02-09. Review status: criteria provided, single submitter. Criteria: Invitae Variant Classification Sherloc (09022015). Collection method: clinical testing. Allele origin: germline.
Comment: This sequence change creates a premature translational stop signal (p.Glu83*) in the CNTN2 gene. It is expected to result in an absent or disrupted protein product. Loss-of-function variants in CNTN2 are known to be pathogenic (PMID: 11178983, 23518707). This variant is not present in population databases (gnomAD no frequency). This variant has not been reported in the literature in individuals affected with CNTN2-related conditions. For these reasons, this variant has been classified as Pathogenic.

Literature cited by the submitters: PubMed 11178983; PubMed 23518707.

NM_005076.5(CNTN2):c.247G>T (p.Glu83Ter)

Gene: CNTN2 (contactin 2; plus strand). Cytogenetic location: 1q32.1.
Variant type: single nucleotide variant.
Coding change: c.247G>T on transcript NM_005076.5 (MANE Select); coding-DNA position 247, G replaced by T.
Protein change: p.Glu83Ter; replaces glutamic acid 83 with a stop codon.
Molecular consequence: nonsense. On other transcripts: non-coding transcript variant (1).
Genome position (GRCh38, 1-based): chr1:205,058,212, G>T. VCF-style: chr1-205058212-G-T. GRCh37 (hg19) VCF-style: chr1-205027340-G-T.
Other names: c.247G>T, p.Glu83Ter (NM_001346083.2); short protein forms E83*.
Identifiers: ClinVar variation 4712628 (VCV004712628.1).